The following is an entry in ClinVar:

ClinVar aggregate classification (germline): Uncertain significance. Review status: criteria provided, multiple submitters, no conflicts (2 of 4 stars). 2 submissions from 2 submitters: Uncertain significance (2). Last evaluated 2025-09-18.

Conditions:
Hypertrophic cardiomyopathy. Also called: HYPERTROPHIC MYOCARDIOPATHY. Identifiers: Orphanet 217569, MedGen C0007194, MeSH D002312, MONDO:0005045, HP:0001639.
Cardiomyopathy (CMYO). Also called: Cardiomyopathies. Identifiers: Orphanet 167848, MedGen C0878544, MONDO:0004994, HP:0001638. Inheritance: Various modes of inheritance.

Submissions (2):

Color Diagnostics, LLC DBA Color Health
Classification: Uncertain significance for Cardiomyopathy. Last evaluated: 2025-09-18. Review status: criteria provided, single submitter. Criteria: ACMG Guidelines, 2015. Collection method: clinical testing. Allele origin: germline.
Comment: This missense variant replaces phenylalanine with leucine at codon 564 of the MYBPC3 protein. Computational prediction suggests that this variant may not impact protein structure and function. To our knowledge, functional studies have not been reported for this variant. This variant has not been reported in individuals affected with MYBPC3-related disorders in the literature. This variant has not been identified in the general population by the Genome Aggregation Database (gnomAD). The available evidence is insufficient to determine the role of this variant in disease conclusively. Therefore, this variant is classified as a Variant of Uncertain Significance.

All of Us Research Program, National Institutes of Health
Classification: Uncertain significance for Hypertrophic cardiomyopathy. Last evaluated: 2023-07-10. Review status: criteria provided, single submitter. Criteria: ACMG Guidelines, 2015. Collection method: clinical testing. Allele origin: germline. Inheritance: Autosomal dominant inheritance. Observed: 1 variant allele, 1 heterozygote.
Comment: This missense variant replaces phenylalanine with leucine at codon 564 of the MYBPC3 protein. Computational prediction suggests that this variant may not impact protein structure and function (internally defined REVEL score threshold <= 0.5, PMID: 27666373). To our knowledge, functional studies have not been reported for this variant. This variant has not been reported in individuals affected with MYBPC3-related disorders in the literature. This variant has not been identified in the general population by the Genome Aggregation Database (gnomAD). The available evidence is insufficient to determine the role of this variant in disease conclusively. Therefore, this variant is classified as a Variant of Uncertain Significance.

This study involves interpretation of variants in research participants for the purpose of population health screening. Participant phenotype was not available at the time of variant classification. Additional details can be found in publication PMID: 35346344, PMCID: PMC8962531

NM_000256.3(MYBPC3):c.1692C>G (p.Phe564Leu)

Gene: MYBPC3 (myosin binding protein C3; minus strand). Cytogenetic location: 11p11.2.
Variant type: single nucleotide variant.
Coding change: c.1692C>G on transcript NM_000256.3 (MANE Select); coding-DNA position 1692, C replaced by G.
Protein change: p.Phe564Leu; replaces phenylalanine 564 with leucine.
Molecular consequence: missense variant.
Genome position (GRCh38, 1-based): chr11:47,342,089, G>C on the plus strand (C>G on the coding strand, the complement: MYBPC3 is on the minus strand). VCF-style: chr11-47342089-G-C. GRCh37 (hg19) VCF-style: chr11-47363640-G-C.
Other names: short protein forms F564L.
Identifiers: ClinVar variation 3072357 (VCV003072357.2), dbSNP rs2495761357, ClinGen allele CA380324361.
Genomic context (GRCh38, chr11:47,342,089, plus strand): 5'-CAGCTCCTTCCCATTCTTCAGCCACACACCCCGAACATTCTCATCTGAGACCTCACATTT[G>C]AACACCGCCTGGTCCTTTGCGCCCACCATCAGGTCTGCGATGCTCTGGTACACCTCCAGC-3'
Protein context (NP_000247.2, residues 554-574): LMVGAKDQAV[Phe564Leu]KCEVSDENVR